The following is an entry in ClinVar:

ClinVar aggregate classification (germline): Conflicting classifications of pathogenicity. Review status: criteria provided, conflicting classifications (1 of 4 stars). 3 submissions from 3 submitters: Uncertain significance (2); Likely benign (1). Last evaluated 2025-11-19.

Conditions:
Ullrich congenital muscular dystrophy 2 (UCMD2). Identifiers: Orphanet 75840, MedGen C4225314, MONDO:0014654, OMIM 616470.
Bethlem myopathy 2 (BTHLM2). Identifiers: Orphanet 536516, Orphanet 610, MedGen C4225313, MONDO:0034022, OMIM 616471.
Inborn genetic diseases. Identifiers: MedGen C0950123, MeSH D030342.

Allele frequency attached by ClinVar (database versions not stated): gnomAD 0.00001; TOPMed 0.00003; gnomAD exomes 0.00004 and 0.00008.
gnomAD v4.1: 25 of 1,613,964 alleles (0.0015%); highest among the groups gnomAD compares: Admixed American, 0.038%; no homozygotes.

Submissions (3):

Women's Health and Genetics/Laboratory Corporation of America, LabCorp
Classification: Uncertain significance. Last evaluated: 2025-11-19. Review status: criteria provided, single submitter. Criteria: LabCorp Variant Classification Summary - May 2015. Collection method: clinical testing. Allele origin: germline.
Comment: Variant summary: COL12A1 c.2396G>A (p.Gly799Glu) results in a non-conservative amino acid change in the encoded protein sequence. Algorithms developed to predict the effect of missense changes on protein structure and function are either unavailable or do not agree on the potential impact of this missense change. The variant allele was found at a frequency of 8e-05 in 249206 control chromosomes. This frequency is not significantly higher than estimated for disease-causing variants in COL12A1, allowing no conclusion about variant significance. To our knowledge, no occurrence of c.2396G>A in individuals affected with COL12A1-related conditions and no experimental evidence demonstrating its impact on protein function have been reported. ClinVar contains an entry for this variant (Variation ID: 945569). Based on the evidence outlined above, the variant was classified as uncertain significance.

Labcorp Genetics (formerly Invitae), Labcorp
Classification: Likely benign for Bethlem myopathy 2; Ullrich congenital muscular dystrophy 2. Last evaluated: 2025-10-09. Review status: criteria provided, single submitter. Criteria: Invitae Variant Classification Sherloc (09022015). Collection method: clinical testing. Allele origin: germline.

Ambry Genetics
Classification: Uncertain significance for Inborn genetic diseases. Last evaluated: 2025-02-07. Review status: criteria provided, single submitter. Criteria: Ambry Variant Classification Scheme 2023. Collection method: clinical testing. Allele origin: germline.

NM_004370.6(COL12A1):c.2396G>A (p.Gly799Glu)

Gene: COL12A1 (collagen type XII alpha 1 chain; minus strand). Cytogenetic location: 6q13.
Variant type: single nucleotide variant.
Coding change: c.2396G>A on transcript NM_004370.6 (MANE Select); coding-DNA position 2396, G replaced by A.
Protein change: p.Gly799Glu; replaces glycine 799 with glutamic acid.
Molecular consequence: missense variant. On other transcripts: intron variant (1).
Genome position (GRCh38, 1-based): chr6:75,177,704, C>T on the plus strand (G>A on the coding strand, the complement: COL12A1 is on the minus strand). VCF-style: chr6-75177704-C-T. GRCh37 (hg19) VCF-style: chr6-75887420-C-T.
Other names: c.73+25016G>A (NM_080645.3); short protein forms G799E.
Identifiers: ClinVar variation 945569 (VCV000945569.11), dbSNP rs772979149, ClinGen allele CA3893992.
Genomic context (GRCh38, chr6:75,177,704, plus strand): 5'-ATAAGCATATTTCCTCTACCTTCTTCAGTGGCTGCATTTCCAGTTAATGGAGTACCAGGT[C>T]CTGAGAAATATTCAGGAATTACAGATACTTCATATTTCGTGTCTGGAATCAAGTTCTCCA-3'
Protein context (NP_004361.3, residues 789-809): EVSVIPEYFS[Gly799Glu]PGTPLTGNAA